The following is an entry in ClinVar:

ClinVar aggregate classification (germline): Pathogenic. Review status: criteria provided, single submitter (1 of 4 stars). 2 submissions from 2 submitters: Pathogenic (1). 1 of the submissions does not count toward it. Last evaluated 2025-09-30.

Conditions:
Cognitive impairment. Also called: cognitive deficit. Identifiers: MedGen C0338656, HP:0100543.
Frontotemporal dementia (FTD1). Also called: Frontotemporal lobe dementia (FLDEM); Dementia, frontotemporal, with or without parkinsonism; FRONTOTEMPORAL DEMENTIA WITH PARKINSONISM; FRONTOTEMPORAL LOBE DEMENTIA; MULTIPLE SYSTEM TAUOPATHY WITH PRESENILE DEMENTIA; WILHELMSEN-LYNCH DISEASE. Identifiers: Orphanet 282, MedGen C0338451, MONDO:0017276, OMIM 600274, HP:0002145.

Submissions (2):

Clinical Genetics Laboratory, Skane University Hospital Lund
Classification: Pathogenic for Cognitive impairment. Last evaluated: 2025-09-30. Review status: criteria provided, single submitter. Criteria: ACMG Guidelines, 2015. Collection method: clinical testing. Allele origin: germline. Affected: yes.
Comment: PVS1, PS4_moderate, PM2, PP1_strong

Translational Genetics in Neurodegenerative disease, Karolinska Institutet
Classification: Pathogenic for Frontotemporal dementia. Review status: no assertion criteria provided. Collection method: research. Allele origin: germline. Affected: yes. Not counted in ClinVar's aggregate classification.

Literature cited by the submitters: PubMed 23463024 (cited by Translational Genetics in Neurodegenerative disease, Karolinska Institutet).

NM_002087.4(GRN):c.1246dup (p.Cys416fs)

Gene: GRN (granulin precursor; plus strand). Cytogenetic location: 17q21.31.
Variant type: Duplication.
Coding change: c.1246dup on transcript NM_002087.4 (MANE Select); coding-DNA position 1246, one base duplicated (T; older notation c.1246dupT).
Protein change: p.Cys416fs; shifts the reading frame from cysteine 416.
Molecular consequence: frameshift variant.
Genome position (GRCh38, 1-based): chr17:44,352,081, T duplicated. VCF-style (leftmost placement, unchanged base first): chr17-44352080-G-GT. GRCh37 (hg19) VCF-style: chr17-42429448-G-GT.
Other names: short protein forms C416fs.
Identifiers: ClinVar variation 203458 (VCV000203458.2), dbSNP rs794729671, ClinGen allele CA275537.
Genomic context (GRCh38, chr17:44,352,080, plus strand): 5'-CTGCTGCTCGGACCACCAGCACTGCTGCCCCCAGGGCTACACGTGTGTAGCTGAGGGGCA[G>GT]TGTCAGCGAGGAAGCGAGATCGTGGCTGGACTGGAGAAGATGCCTGCCCGCCGGGCTTCC-3'